The following is an entry in ClinVar:

NM_000038.6(APC):c.4771G>A (p.Ala1591Thr)

Gene: APC (APC regulator of Wnt signaling pathway; plus strand). Cytogenetic location: 5q22.2.
Variant type: single nucleotide variant.
Coding change: c.4771G>A on transcript NM_000038.6 (MANE Select); coding-DNA position 4771, G replaced by A.
Protein change: p.Ala1591Thr; replaces alanine 1591 with threonine.
Molecular consequence: missense variant.
Genome position (GRCh38, 1-based): chr5:112,840,365, G>A. VCF-style: chr5-112840365-G-A. GRCh37 (hg19) VCF-style: chr5-112176062-G-A.
Other names: c.4771G>A (NM_000038.5); c.4771G>A, p.Ala1591Thr (NM_001127510.3, NM_001354895.2, NM_001407450.1); c.4717G>A, p.Ala1573Thr (NM_001127511.3); c.4825G>A, p.Ala1609Thr (NM_001354896.2, NM_001407447.1, NM_001407448.1 and 1 more transcripts); c.4801G>A, p.Ala1601Thr (NM_001354897.2); c.4696G>A, p.Ala1566Thr (NM_001354898.2); c.4687G>A, p.Ala1563Thr (NM_001354899.2); c.4648G>A, p.Ala1550Thr (NM_001354900.2); and 12 more; short protein forms A1431T, A1462T, A1465T, A1573T, A1581T, A1584T, A1601T, A1207T.
Identifiers: ClinVar variation 2156398 (VCV002156398.6), dbSNP rs2149923353, ClinGen allele CA16031788.

ClinVar aggregate classification (germline): Uncertain significance. Review status: criteria provided, multiple submitters, no conflicts (2 of 4 stars). 3 submissions from 3 submitters: Uncertain significance (3). Last evaluated 2025-08-12.

Conditions:
Classic or attenuated familial adenomatous polyposis. Identifiers: MedGen CN372698, MONDO:0021057.
Hereditary cancer-predisposing syndrome. Also called: Tumor predisposition; Hereditary neoplastic syndrome; Neoplastic Syndromes, Hereditary; Hereditary Cancer Syndrome. Identifiers: Orphanet 140162, MedGen C0027672, MeSH D009386, MONDO:0015356.
Familial adenomatous polyposis 1 (FAP1). Also called: FAMILIAL ADENOMATOUS POLYPOSIS 1, ATTENUATED; POLYPOSIS, ADENOMATOUS INTESTINAL. Identifiers: MedGen C2713442, MONDO:0021056, OMIM 175100. Disease mechanism: loss of function.

Submissions (3):

Ambry Genetics
Classification: Uncertain significance for Hereditary cancer-predisposing syndrome. Last evaluated: 2025-08-12. Review status: criteria provided, single submitter. Criteria: Ambry Variant Classification Scheme 2023. Collection method: clinical testing. Allele origin: germline.
Comment: The p.A1591T variant (also known as c.4771G>A), located in coding exon 15 of the APC gene, results from a G to A substitution at nucleotide position 4771. The alanine at codon 1591 is replaced by threonine, an amino acid with similar properties. This amino acid position is not well conserved in available vertebrate species. In addition, in silico predictors for this gene do not accurately predict pathogenicity. Missense alterations in APC are not a common cause of disease (Spier I et al. Genet Med. 2024 Feb;26(2):100992). Based on the available evidence, the clinical significance of this variant remains unclear.

Labcorp Genetics (formerly Invitae), Labcorp
Classification: Uncertain significance for Familial adenomatous polyposis 1. Last evaluated: 2024-08-14. Review status: criteria provided, single submitter. Criteria: Invitae Variant Classification Sherloc (09022015). Collection method: clinical testing. Allele origin: germline.
Comment: This sequence change replaces alanine, which is neutral and non-polar, with threonine, which is neutral and polar, at codon 1591 of the APC protein (p.Ala1591Thr). This variant is not present in population databases (gnomAD no frequency). This variant has not been reported in the literature in individuals affected with APC-related conditions. ClinVar contains an entry for this variant (Variation ID: 2156398). Invitae Evidence Modeling of protein sequence and biophysical properties (such as structural, functional, and spatial information, amino acid conservation, physicochemical variation, residue mobility, and thermodynamic stability) indicates that this missense variant is not expected to disrupt APC protein function with a negative predictive value of 95%. In summary, the available evidence is currently insufficient to determine the role of this variant in disease. Therefore, it has been classified as a Variant of Uncertain Significance.

All of Us Research Program, National Institutes of Health
Classification: Uncertain significance for Classic or attenuated familial adenomatous polyposis. Last evaluated: 2023-04-27. Review status: criteria provided, single submitter. Criteria: ACMG Guidelines, 2015. Collection method: clinical testing. Allele origin: germline. Inheritance: Autosomal dominant inheritance. Observed: 1 variant allele, 1 heterozygote.
Comment: This study involves interpretation of variants in research participants for the purpose of population health screening. Participant phenotype was not available at the time of variant classification. Additional details can be found in publication PMID: 35346344, PMCID: PMC8962531